The following is an entry in ClinVar:

ClinVar aggregate classification (germline): Likely pathogenic (1 of 4 stars; one submission).

Conditions:
ACCES syndrome (ACCES). Also called: APLASIA CUTIS CONGENITA WITH ECTRODACTYLY SKELETAL SYNDROME. Identifiers: MedGen C5677019, MONDO:0859262, OMIM 619959.

Submission:

MVZ Medizinische Genetik Mainz
Classification: Likely pathogenic for ACCES syndrome. Last evaluated: 2026-01-28. Review status: criteria provided, single submitter. Criteria: UK Practice Guidelines For Variant Classification V4 01 2020. Collection method: clinical testing. Allele origin: germline. Inheritance: Autosomal dominant inheritance. Affected: yes. Observed: 1 variant allele.
Comment: ACMG Criteria: PVS1,PM2_SUP

NM_005499.3(UBA2):c.439C>T (p.Gln147Ter)

Gene: UBA2 (ubiquitin like modifier activating enzyme 2; plus strand). Cytogenetic location: 19q13.11.
Variant type: single nucleotide variant.
Coding change: c.439C>T on transcript NM_005499.3 (MANE Select); coding-DNA position 439, C replaced by T.
Protein change: p.Gln147Ter; replaces glutamine 147 with a stop codon.
Molecular consequence: nonsense.
Genome position (GRCh38, 1-based): chr19:34,434,948, C>T. VCF-style: chr19-34434948-C-T. GRCh37 (hg19) VCF-style: chr19-34925853-C-T.
Other names: c.151C>T, p.Gln51Ter (NM_001411139.1); short protein forms Q147*, Q51*.
Identifiers: ClinVar variation 4796799 (VCV004796799.1).